The following is an entry in ClinVar:

NM_000814.6(GABRB3):c.191G>A (p.Gly64Glu)

Gene: GABRB3 (gamma-aminobutyric acid type A receptor subunit beta3; minus strand). Cytogenetic location: 15q12.
Variant type: single nucleotide variant.
Coding change: c.191G>A on transcript NM_000814.6 (MANE Select); coding-DNA position 191, G replaced by A.
Protein change: p.Gly64Glu; replaces glycine 64 with glutamic acid.
Molecular consequence: missense variant. On other transcripts: 5 prime UTR variant (1).
Genome position (GRCh38, 1-based): chr15:26,772,451, C>T on the plus strand (G>A on the coding strand, the complement: GABRB3 is on the minus strand). VCF-style: chr15-26772451-C-T. GRCh37 (hg19) VCF-style: chr15-27017598-C-T.
Other names: c.-161G>A (NM_001278631.2); c.191G>A, p.Gly64Glu (NM_021912.5); short protein forms G64E.
Identifiers: ClinVar variation 1507252 (VCV001507252.6), dbSNP rs1891175434, ClinGen allele CA391465274.

ClinVar aggregate classification (germline): Uncertain significance (1 of 4 stars; one submission).

Conditions:
Epilepsy, childhood absence, susceptibility to, 5. Identifiers: Orphanet 64280, MedGen C2677087, MONDO:0012843, OMIM 612269.
Epilepsy, childhood absence, susceptibility to, 1. Also called: Epilepsy, childhood absence 1. Identifiers: Orphanet 64280, MedGen C1838604, MONDO:0020759, OMIM 600131.

Allele frequency attached by ClinVar (database versions not stated): TOPMed below 0.00001.

Submission:

Labcorp Genetics (formerly Invitae), Labcorp
Classification: Uncertain significance for Epilepsy, childhood absence, susceptibility to, 5; Epilepsy, childhood absence, susceptibility to, 1. Last evaluated: 2021-12-08. Review status: criteria provided, single submitter. Criteria: Invitae Variant Classification Sherloc (09022015). Collection method: clinical testing. Allele origin: germline.
Comment: Advanced modeling of protein sequence and biophysical properties (such as structural, functional, and spatial information, amino acid conservation, physicochemical variation, residue mobility, and thermodynamic stability) performed at Invitae indicates that this missense variant is expected to disrupt GABRB3 protein function. In summary, the available evidence is currently insufficient to determine the role of this variant in disease. Therefore, it has been classified as a Variant of Uncertain Significance. This variant has not been reported in the literature in individuals affected with GABRB3-related conditions. This variant is not present in population databases (gnomAD no frequency). This sequence change replaces glycine, which is neutral and non-polar, with glutamic acid, which is acidic and polar, at codon 64 of the GABRB3 protein (p.Gly64Glu).